The following is an entry in ClinVar:

ClinVar aggregate classification (germline): Uncertain significance (1 of 4 stars; one submission).

Conditions:
Fanconi anemia (FA). Also called: Fanconi's anemia. Identifiers: Orphanet 84, MedGen C0015625, MeSH D005199, MONDO:0019391.

gnomAD v4.1: 1 of 1,614,180 alleles (0.000062%); highest among the groups gnomAD compares: Non-Finnish European, 0.000085%; no homozygotes.

Submission:

Labcorp Genetics (formerly Invitae), Labcorp
Classification: Uncertain significance for Fanconi anemia. Last evaluated: 2025-09-03. Review status: criteria provided, single submitter. Criteria: Invitae Variant Classification Sherloc (09022015). Collection method: clinical testing. Allele origin: germline.
Comment: This sequence change replaces arginine, which is basic and polar, with leucine, which is neutral and non-polar, at codon 278 of the SLX4 protein (p.Arg278Leu). This variant is not present in population databases (gnomAD no frequency). This variant has not been reported in the literature in individuals affected with SLX4-related conditions. An algorithm developed to predict the effect of missense changes on protein structure and function outputs the following: PolyPhen-2: "Benign". The leucine amino acid residue is found in multiple mammalian species, which suggests that this missense change does not adversely affect protein function. In summary, the available evidence is currently insufficient to determine the role of this variant in disease. Therefore, it has been classified as a Variant of Uncertain Significance.

NM_032444.4(SLX4):c.833G>T (p.Arg278Leu)

Gene: SLX4 (SLX4 structure-specific endonuclease subunit; minus strand). Cytogenetic location: 16p13.3.
Variant type: single nucleotide variant.
Coding change: c.833G>T on transcript NM_032444.4 (MANE Select); coding-DNA position 833, G replaced by T.
Protein change: p.Arg278Leu; replaces arginine 278 with leucine.
Molecular consequence: missense variant.
Genome position (GRCh38, 1-based): chr16:3,602,235, C>A on the plus strand (G>T on the coding strand, the complement: SLX4 is on the minus strand). VCF-style: chr16-3602235-C-A. GRCh37 (hg19) VCF-style: chr16-3652236-C-A.
Other names: short protein forms R278L.
Identifiers: ClinVar variation 4742201 (VCV004742201.1).